The following is an entry in ClinVar:

NM_178857.6(RP1L1):c.665A>C (p.His222Pro)

Gene: RP1L1 (RP1 like 1). Cytogenetic location: 8p23.1.
Variant type: single nucleotide variant.
Coding change: c.665A>C on transcript NM_178857.6 (MANE Select); coding-DNA position 665, A replaced by C.
Protein change: p.His222Pro; replaces histidine 222 with proline.
Molecular consequence: missense variant.
Genome position (GRCh38, 1-based): chr8:10,616,532, T>G on the plus strand (A>C on the coding strand, the complement: RP1L1 is on the minus strand). VCF-style: chr8-10616532-T-G. GRCh37 (hg19) VCF-style: chr8-10474042-T-G.
Other names: short protein forms H222P.
Identifiers: ClinVar variation 361399 (VCV000361399.24), dbSNP rs4388421, ClinGen allele CA4625514.

ClinVar aggregate classification (germline): Benign. Review status: criteria provided, multiple submitters, no conflicts (2 of 4 stars). 10 submissions from 9 submitters: Benign (8). 2 of the submissions do not count toward it. Last evaluated 2026-02-04.

Conditions:
Occult macular dystrophy (OCMD). Also called: OMD; OCCULT MACULAR DYSTROPHY, SUSCEPTIBILITY TO. Identifiers: Orphanet 247834, MedGen C3150833, MONDO:0013316, OMIM 613587, HP:0030636.
Retinitis pigmentosa 88. Identifiers: MedGen C5394208, MONDO:0032940, OMIM 618826.
Retinal dystrophy. Also called: Inherited retinal dystrophy. Identifiers: Orphanet 71862, MedGen C0854723, MeSH D058499, MONDO:0019118, HP:0000556.

Allele frequency attached by ClinVar (database versions not stated): ESP Exome Variant Server 0.15553; gnomAD exomes 0.16281 and 0.18613; gnomAD 0.17875 and 0.18081; ExAC 0.18183; TOPMed 0.18922; 1000 Genomes Project 30x 0.21143; 1000 Genomes Project 0.21665.
gnomAD v4.1: 265,829 of 1,613,944 alleles (16%); highest among the groups gnomAD compares: East Asian, 48%; 24,994 homozygotes.

Submissions (10):

Labcorp Genetics (formerly Invitae), Labcorp
Classification: Benign. Last evaluated: 2026-02-04. Review status: criteria provided, single submitter. Criteria: Invitae Variant Classification Sherloc (09022015). Collection method: clinical testing. Allele origin: germline.

Dept Of Ophthalmology, Nagoya University
Classification: Benign for Retinal dystrophy. Last evaluated: 2023-10-01. Review status: criteria provided, single submitter. Criteria: Submitter's publication. Collection method: research. Allele origin: germline. Affected: yes.

Genome-Nilou Lab
Classification: Benign for Occult macular dystrophy. Last evaluated: 2021-11-07. Review status: criteria provided, single submitter. Criteria: ACMG Guidelines, 2015. Collection method: clinical testing. Allele origin: germline. Affected: no.

Genome-Nilou Lab
Classification: Benign for Retinitis pigmentosa 88. Last evaluated: 2021-11-07. Review status: criteria provided, single submitter. Criteria: ACMG Guidelines, 2015. Collection method: clinical testing. Allele origin: germline. Affected: no.

Mendelics
Classification: Benign for Occult macular dystrophy. Last evaluated: 2019-05-28. Review status: criteria provided, single submitter. Criteria: Mendelics Assertion Criteria 2017. Collection method: clinical testing. Allele origin: unknown.

GeneDx
Classification: Benign. Last evaluated: 2018-12-18. Review status: criteria provided, single submitter. Criteria: GeneDx Variant Classification Process June 2021. Collection method: clinical testing. Allele origin: germline. Affected: yes.

Illumina Laboratory Services, Illumina
Classification: Benign for Occult macular dystrophy. Last evaluated: 2018-01-12. Review status: criteria provided, single submitter. Criteria: ICSL Variant Classification Criteria 13 December 2019. Collection method: clinical testing. Allele origin: germline.
Comment: This variant was observed in the ICSL laboratory as part of a predisposition screen in an ostensibly healthy population. It had not been previously curated by ICSL or reported in the Human Gene Mutation Database (HGMD: prior to June 1st, 2018), and was therefore a candidate for classification through an automated scoring system. Utilizing variant allele frequency, disease prevalence and penetrance estimates, and inheritance mode, an automated score was calculated to assess if this variant is too frequent to cause the disease. Based on the score and internal cut-off values, a variant classified as benign is not then subjected to further curation. The score for this variant resulted in a classification of benign for this disease.

Breakthrough Genomics
Classification: Benign. Review status: criteria provided, single submitter. Criteria: ACMG Guidelines, 2015. Collection method: not provided. Allele origin: germline. Inheritance: Autosomal recessive inheritance. Affected: yes.

Diagnostic Laboratory, Department of Genetics, University Medical Center Groningen
Classification: Benign. Review status: no assertion criteria provided. Collection method: clinical testing. Allele origin: germline. Affected: yes. Study: VKGL Data-share Consensus. Not counted in ClinVar's aggregate classification.

Joint Genome Diagnostic Labs from Nijmegen and Maastricht, Radboudumc and MUMC+
Classification: Benign. Review status: no assertion criteria provided. Collection method: clinical testing. Allele origin: germline. Affected: yes. Study: VKGL Data-share Consensus. Not counted in ClinVar's aggregate classification.